The following is an entry in ClinVar:

NM_014587.5(SOX8):c.1129G>A (p.Ala377Thr)

Gene: SOX8 (SRY-box transcription factor 8; plus strand). Cytogenetic location: 16p13.3.
Variant type: single nucleotide variant.
Coding change: c.1129G>A on transcript NM_014587.5 (MANE Select); coding-DNA position 1129, G replaced by A.
Protein change: p.Ala377Thr; replaces alanine 377 with threonine.
Molecular consequence: missense variant.
Genome position (GRCh38, 1-based): chr16:985,174, G>A. VCF-style: chr16-985174-G-A. GRCh37 (hg19) VCF-style: chr16-1035174-G-A.
Other names: c.1129G>A (NM_014587.3); short protein forms A377T.
Identifiers: ClinVar variation 2645874 (VCV002645874.24), dbSNP rs779743962, ClinGen allele CA7798368.

ClinVar aggregate classification (germline): Likely benign. Review status: criteria provided, multiple submitters, no conflicts (2 of 4 stars). 2 submissions from 2 submitters: Likely benign (2). Last evaluated 2025-10-02.

Allele frequency attached by ClinVar (database versions not stated): ExAC 0.00001; TOPMed 0.00001.
gnomAD v4.1: 22 of 1,609,636 alleles (0.0014%); highest among the groups gnomAD compares: African/African-American, 0.0027%; no homozygotes.

Submissions (2):

Ambry Genetics
Classification: Likely benign. Last evaluated: 2025-10-02. Review status: criteria provided, single submitter. Criteria: Ambry Variant Classification Scheme 2023. Collection method: clinical testing. Allele origin: germline.

CeGaT Center for Human Genetics Tuebingen
Classification: Likely benign. Last evaluated: 2022-08-01. Review status: criteria provided, single submitter. Criteria: CeGaT Center For Human Genetics Tuebingen Variant Classification Criteria Version 2. Collection method: clinical testing. Allele origin: germline. Affected: yes. Observed: 1 variant allele.
Comment: SOX8: BP4